The following is an entry in ClinVar:

ClinVar aggregate classification (germline): Uncertain significance. Review status: criteria provided, multiple submitters, no conflicts (2 of 4 stars). 5 submissions from 5 submitters: Uncertain significance (5). Last evaluated 2025-12-20.

Conditions:
Inborn genetic diseases. Identifiers: MedGen C0950123, MeSH D030342.
Charcot-Marie-Tooth disease dominant intermediate B (CMTDIB). Also called: Charcot-Marie-Tooth disease dominant intermediate 1; CMT DI1; Charcot-Marie-Tooth disease dominant intermediate I; CHARCOT-MARIE-TOOTH NEUROPATHY, DOMINANT INTERMEDIATE B. Identifiers: Orphanet 100044, Orphanet 228179, MedGen C1847902, MONDO:0011674, OMIM 606482.

Allele frequency attached by ClinVar (database versions not stated): gnomAD exomes 0.00003 and 0.00004; ExAC 0.00004; gnomAD 0.00004; TOPMed 0.00004; 1000 Genomes Project 30x 0.00016; 1000 Genomes Project 0.00020.

Submissions (5):

Labcorp Genetics (formerly Invitae), Labcorp
Classification: Uncertain significance for Charcot-Marie-Tooth disease dominant intermediate B. Last evaluated: 2025-12-20. Review status: criteria provided, single submitter. Criteria: Invitae Variant Classification Sherloc (09022015). Collection method: clinical testing. Allele origin: germline.
Comment: This sequence change replaces threonine, which is neutral and polar, with methionine, which is neutral and non-polar, at codon 746 of the DNM2 protein (p.Thr746Met). This variant is present in population databases (rs202136528, gnomAD 0.007%). This missense change has been observed in individual(s) with clinical features of DNM2-related conditions (PMID: 36964972). ClinVar contains an entry for this variant (Variation ID: 804754). Invitae Evidence Modeling of protein sequence and biophysical properties (such as structural, functional, and spatial information, amino acid conservation, physicochemical variation, residue mobility, and thermodynamic stability) has been performed for this missense variant. However, the output from this modeling did not meet the statistical confidence thresholds required to predict the impact of this variant on DNM2 protein function. In summary, the available evidence is currently insufficient to determine the role of this variant in disease. Therefore, it has been classified as a Variant of Uncertain Significance.

GeneDx
Classification: Uncertain significance. Last evaluated: 2025-05-19. Review status: criteria provided, single submitter. Criteria: GeneDx Variant Classification Process June 2021. Collection method: clinical testing. Allele origin: germline. Affected: yes.
Comment: Reported as a paternally inherited variant in a patient with myopathy and walking difficulties; clinical information on the father was not provided (PMID: 36964972); In silico analysis supports that this missense variant has a deleterious effect on protein structure/function; This variant is associated with the following publications: (PMID: 16227997, 36964972)

Mayo Clinic Laboratories, Mayo Clinic
Classification: Uncertain significance. Last evaluated: 2024-06-25. Review status: criteria provided, single submitter. Criteria: ACMG Guidelines, 2015. Collection method: clinical testing. Allele origin: germline. Observed: 1 variant allele.

Ambry Genetics
Classification: Uncertain significance for Inborn genetic diseases. Last evaluated: 2021-06-30. Review status: criteria provided, single submitter. Criteria: Ambry Variant Classification Scheme 2023. Collection method: clinical testing. Allele origin: germline.
Comment: The p.T746M variant (also known as c.2237C>T), located in coding exon 19 of the DNM2 gene, results from a C to T substitution at nucleotide position 2237. The threonine at codon 746 is replaced by methionine, an amino acid with similar properties. This amino acid position is highly conserved in available vertebrate species. In addition, the in silico prediction for this alteration is inconclusive. Since supporting evidence is limited at this time, the clinical significance of this alteration remains unclear.

Athena Diagnostics
Classification: Uncertain significance. Last evaluated: 2019-06-04. Review status: criteria provided, single submitter. Criteria: Athena Diagnostics Criteria. Collection method: clinical testing. Allele origin: germline.

Literature cited by the submitters: PubMed 36964972 (cited by Labcorp Genetics (formerly Invitae), Labcorp and Mayo Clinic Laboratories, Mayo Clinic).

NM_001005361.3(DNM2):c.2237C>T (p.Thr746Met)

Gene: DNM2 (dynamin 2; plus strand). Cytogenetic location: 19p13.2.
Variant type: single nucleotide variant.
Coding change: c.2237C>T on transcript NM_001005361.3 (MANE Select); coding-DNA position 2237, C replaced by T.
Protein change: p.Thr746Met; replaces threonine 746 with methionine.
Molecular consequence: missense variant.
Genome position (GRCh38, 1-based): chr19:10,829,214, C>T. VCF-style: chr19-10829214-C-T. GRCh37 (hg19) VCF-style: chr19-10939890-C-T.
Other names: p.Thr746Met; c.2237C>T, p.Thr746Met (NM_001005360.3, NM_001190716.2); c.2225C>T, p.Thr742Met (NM_001005362.3, NM_004945.4); short protein forms T746M, T742M.
Identifiers: ClinVar variation 804754 (VCV000804754.14), dbSNP rs202136528, ClinGen allele CA9201549.
Genomic context (GRCh38, chr19:10,829,214, plus strand): 5'-ACCATGCCCTCAAGGAGGCGCTCAACATCATCGGTGACATCAGCACCAGCACTGTGTCCA[C>T]GCCTGTACCCCCGCCTGTCGATGACACCTGGCTCCAGAGCGCCAGCAGCCACAGGTCCGG-3'
Protein context (NP_001005361.1, residues 736-756): IGDISTSTVS[Thr746Met]PVPPPVDDTW